The following is an entry in ClinVar:

NM_020297.4(ABCC9):c.4310G>A (p.Gly1437Asp)

Genes: ABCC9 (ATP binding cassette subfamily C member 9; minus strand), KCNJ8-AS1 (KCNJ8 antisense RNA 1; plus strand). Cytogenetic location: 12p12.1.
Variant type: single nucleotide variant.
Coding change: c.4310G>A on transcript NM_020297.4 (MANE Select); coding-DNA position 4310, G replaced by A.
Protein change: p.Gly1437Asp; replaces glycine 1437 with aspartic acid.
Molecular consequence: missense variant.
Genome position (GRCh38, 1-based): chr12:21,809,857, C>T on the plus strand (G>A on the coding strand, the complement: ABCC9 is on the minus strand). VCF-style: chr12-21809857-C-T. GRCh37 (hg19) VCF-style: chr12-21962791-C-T.
Other names: c.4310G>A, p.Gly1437Asp (NM_001377273.1, NM_005691.4); c.3443G>A, p.Gly1148Asp (NM_001377274.1); short protein forms G1437D, G1148D.
Identifiers: ClinVar variation 3718570 (VCV003718570.2).

ClinVar aggregate classification (germline): Uncertain significance (1 of 4 stars; one submission).

Conditions:
Dilated cardiomyopathy 1O (CMD1O). Also called: CARDIOMYOPATHY, DILATED, WITH VENTRICULAR TACHYCARDIA. Identifiers: Orphanet 154, MedGen C1837839, MONDO:0012062, OMIM 608569.

gnomAD v4.1: 9 of 1,581,604 alleles (0.00057%); highest among the groups gnomAD compares: Non-Finnish European, 0.00078%; no homozygotes.

Submission:

Labcorp Genetics (formerly Invitae), Labcorp
Classification: Uncertain significance for Dilated cardiomyopathy 1O. Last evaluated: 2024-11-08. Review status: criteria provided, single submitter. Criteria: Invitae Variant Classification Sherloc (09022015). Collection method: clinical testing. Allele origin: germline.
Comment: This sequence change replaces glycine, which is neutral and non-polar, with aspartic acid, which is acidic and polar, at codon 1437 of the ABCC9 protein (p.Gly1437Asp). This variant is not present in population databases (gnomAD no frequency). This variant has not been reported in the literature in individuals affected with ABCC9-related conditions. Invitae Evidence Modeling of protein sequence and biophysical properties (such as structural, functional, and spatial information, amino acid conservation, physicochemical variation, residue mobility, and thermodynamic stability) indicates that this missense variant is expected to disrupt ABCC9 protein function with a positive predictive value of 95%. In summary, the available evidence is currently insufficient to determine the role of this variant in disease. Therefore, it has been classified as a Variant of Uncertain Significance.